The following is an entry in ClinVar:

ClinVar aggregate classification (germline): Uncertain significance. Review status: criteria provided, multiple submitters, no conflicts (2 of 4 stars). 2 submissions from 2 submitters: Uncertain significance (2). Last evaluated 2024-07-18.

Conditions:
Osteogenesis imperfecta type 8 (OI8). Identifiers: MedGen C1970458, MONDO:0012581, OMIM 610915.

Allele frequency attached by ClinVar (database versions not stated): ESP Exome Variant Server 0.00008; 1000 Genomes Project 0.00020; 1000 Genomes Project 30x 0.00031; TOPMed 0.00006.

Submissions (2):

Blueprint Genetics
Classification: Uncertain significance. Last evaluated: 2024-07-18. Review status: criteria provided, single submitter. Criteria: ACMG Guidelines, 2015. Collection method: clinical testing. Allele origin: germline.

Labcorp Genetics (formerly Invitae), Labcorp
Classification: Uncertain significance for Osteogenesis imperfecta type 8. Last evaluated: 2022-05-04. Review status: criteria provided, single submitter. Criteria: Invitae Variant Classification Sherloc (09022015). Collection method: clinical testing. Allele origin: germline.
Comment: This sequence change replaces arginine, which is basic and polar, with glutamine, which is neutral and polar, at codon 471 of the P3H1 protein (p.Arg471Gln). This variant is present in population databases (rs377645905, gnomAD 0.003%). This variant has not been reported in the literature in individuals affected with P3H1-related conditions. ClinVar contains an entry for this variant (Variation ID: 536807). Algorithms developed to predict the effect of missense changes on protein structure and function are either unavailable or do not agree on the potential impact of this missense change (SIFT: "Deleterious"; PolyPhen-2: "Probably Damaging"; Align-GVGD: "Class C0"). Algorithms developed to predict the effect of sequence changes on RNA splicing suggest that this variant may create or strengthen a splice site. In summary, the available evidence is currently insufficient to determine the role of this variant in disease. Therefore, it has been classified as a Variant of Uncertain Significance.

NM_022356.4(P3H1):c.1412G>A (p.Arg471Gln)

Gene: P3H1 (prolyl 3-hydroxylase 1; minus strand). Cytogenetic location: 1p34.2.
Variant type: single nucleotide variant.
Coding change: c.1412G>A on transcript NM_022356.4 (MANE Select); coding-DNA position 1412, G replaced by A.
Protein change: p.Arg471Gln; replaces arginine 471 with glutamine.
Molecular consequence: missense variant.
Genome position (GRCh38, 1-based): chr1:42,752,598, C>T on the plus strand (G>A on the coding strand, the complement: P3H1 is on the minus strand). VCF-style: chr1-42752598-C-T. GRCh37 (hg19) VCF-style: chr1-43218269-C-T.
Other names: c.1412G>A, p.Arg471Gln (NM_001146289.2, NM_001243246.2); short protein forms R471Q.
Identifiers: ClinVar variation 536807 (VCV000536807.7), dbSNP rs377645905, ClinGen allele CA801855.